The following is an entry in ClinVar:

NM_032444.4(SLX4):c.4916C>G (p.Ala1639Gly)

Gene: SLX4 (SLX4 structure-specific endonuclease subunit; minus strand). Cytogenetic location: 16p13.3.
Variant type: single nucleotide variant.
Coding change: c.4916C>G on transcript NM_032444.4 (MANE Select); coding-DNA position 4916, C replaced by G.
Protein change: p.Ala1639Gly; replaces alanine 1639 with glycine.
Molecular consequence: missense variant.
Genome position (GRCh38, 1-based): chr16:3,583,334, G>C on the plus strand (C>G on the coding strand, the complement: SLX4 is on the minus strand). VCF-style: chr16-3583334-G-C. GRCh37 (hg19) VCF-style: chr16-3633335-G-C.
Other names: short protein forms A1639G.
Identifiers: ClinVar variation 2198462 (VCV002198462.5), dbSNP rs200899425, ClinGen allele CA7865466.
Genomic context (GRCh38, chr16:3,583,334, plus strand): 5'-GGTCCCTTGGGCCTATGGGCCCCAGGTCCTGTGGTGGCCTCCTGCTGGGCATGGACCCCT[G>C]CCCTTGAAGGCTTGTAGGTCTGGGAGGCGAGGGTCTGGCAGTGAGGCGCCTGCAACAGCG-3'
Protein context (NP_115820.2, residues 1629-1649): LASQTYKPSR[Ala1639Gly]GVHAQQEATT

ClinVar aggregate classification (germline): Uncertain significance. Review status: criteria provided, multiple submitters, no conflicts (2 of 4 stars). 2 submissions from 2 submitters: Uncertain significance (2). Last evaluated 2024-03-20.

Conditions:
Fanconi anemia complementation group P. Also called: SLX4-Related Fanconi Anemia. Identifiers: Orphanet 84, MedGen C3469542, MONDO:0013499, OMIM 613951.
Fanconi anemia (FA). Also called: Fanconi's anemia. Identifiers: Orphanet 84, MedGen C0015625, MeSH D005199, MONDO:0019391.

Allele frequency attached by ClinVar (database versions not stated): ExAC 0.00001; gnomAD exomes 0.00001; gnomAD 0.00002; TOPMed 0.00002; 1000 Genomes Project 30x 0.00016; 1000 Genomes Project 0.00020.
gnomAD v4.1: 6 of 1,613,894 alleles (0.00037%); highest among the groups gnomAD compares: African/African-American, 0.008%; no homozygotes.

Submissions (2):

Fulgent Genetics
Classification: Uncertain significance for Fanconi anemia complementation group P. Last evaluated: 2024-03-20. Review status: criteria provided, single submitter. Criteria: ACMG Guidelines, 2015. Collection method: clinical testing. Allele origin: germline.

Labcorp Genetics (formerly Invitae), Labcorp
Classification: Uncertain significance for Fanconi anemia. Last evaluated: 2022-05-12. Review status: criteria provided, single submitter. Criteria: Invitae Variant Classification Sherloc (09022015). Collection method: clinical testing. Allele origin: germline.
Comment: This sequence change replaces alanine, which is neutral and non-polar, with glycine, which is neutral and non-polar, at codon 1639 of the SLX4 protein (p.Ala1639Gly). This variant is present in population databases (rs200899425, gnomAD 0.01%). This variant has not been reported in the literature in individuals affected with SLX4-related conditions. Algorithms developed to predict the effect of missense changes on protein structure and function (SIFT, PolyPhen-2, Align-GVGD) all suggest that this variant is likely to be tolerated. In summary, the available evidence is currently insufficient to determine the role of this variant in disease. Therefore, it has been classified as a Variant of Uncertain Significance.